The following is an entry in ClinVar:

NM_004380.3(CREBBP):c.5776C>T (p.Arg1926Trp)

Gene: CREBBP (CREB binding lysine acetyltransferase; minus strand). Cytogenetic location: 16p13.3.
Variant type: single nucleotide variant.
Coding change: c.5776C>T on transcript NM_004380.3 (MANE Select); coding-DNA position 5776, C replaced by T.
Protein change: p.Arg1926Trp; replaces arginine 1926 with tryptophan.
Molecular consequence: missense variant.
Genome position (GRCh38, 1-based): chr16:3,729,271, G>A on the plus strand (C>T on the coding strand, the complement: CREBBP is on the minus strand). VCF-style: chr16-3729271-G-A. GRCh37 (hg19) VCF-style: chr16-3779272-G-A.
Other names: c.5662C>T, p.Arg1888Trp (NM_001079846.1); short protein forms R1888W, R1926W.
Identifiers: ClinVar variation 3357874 (VCV003357874.1).

ClinVar aggregate classification (germline): Uncertain significance (0 of 4 stars; one submission).

Conditions:
CREBBP-related disorder. Also called: CREBBP-related condition; CREBBP-related disorders.

gnomAD v4.1: 4 of 1,531,266 alleles (0.00026%); highest among the groups gnomAD compares: Non-Finnish European, 0.00035%; no homozygotes.

Submission:

PreventionGenetics, part of Exact Sciences
Classification: Uncertain significance for CREBBP-related condition. Last evaluated: 2024-04-25. Review status: no assertion criteria provided. Collection method: clinical testing. Allele origin: germline.
Comment: The CREBBP c.5776C>T variant is predicted to result in the amino acid substitution p.Arg1926Trp. To our knowledge, this variant has not been reported in the literature or in a large population database, indicating this variant is rare. At this time, the clinical significance of this variant is uncertain due to the absence of conclusive functional and genetic evidence.